The following is an entry in ClinVar:

ClinVar aggregate classification (germline): Uncertain significance. Review status: criteria provided, multiple submitters, no conflicts (2 of 4 stars). 4 submissions from 4 submitters: Uncertain significance (4). Last evaluated 2024-08-11.

Conditions:
Classic or attenuated familial adenomatous polyposis. Identifiers: MedGen CN372698, MONDO:0021057.
Hereditary cancer-predisposing syndrome. Also called: Hereditary neoplastic syndrome; Neoplastic Syndromes, Hereditary; Tumor predisposition; Hereditary Cancer Syndrome. Identifiers: Orphanet 140162, MedGen C0027672, MeSH D009386, MONDO:0015356.
Familial adenomatous polyposis 1 (FAP1). Also called: FAMILIAL ADENOMATOUS POLYPOSIS 1, ATTENUATED; POLYPOSIS, ADENOMATOUS INTESTINAL. Identifiers: MedGen C2713442, MONDO:0021056, OMIM 175100. Disease mechanism: loss of function.

Allele frequency attached by ClinVar (database versions not stated): gnomAD exomes below 0.00001; TOPMed below 0.00001.
gnomAD v4.1: 1 of 1,614,136 alleles (0.000062%); highest among the groups gnomAD compares: Non-Finnish European, 0.000085%; no homozygotes.

Submissions (4):

Ambry Genetics
Classification: Uncertain significance for Hereditary cancer-predisposing syndrome. Last evaluated: 2024-08-11. Review status: criteria provided, single submitter. Criteria: Ambry Variant Classification Scheme 2023. Collection method: clinical testing. Allele origin: germline.
Comment: The p.C1387Y variant (also known as c.4160G>A), located in coding exon 15 of the APC gene, results from a G to A substitution at nucleotide position 4160. The cysteine at codon 1387 is replaced by tyrosine, an amino acid with highly dissimilar properties. This amino acid position is highly conserved in available vertebrate species. In addition, in silico predictors for this gene do not accurately predict pathogenicity. Since supporting evidence is limited at this time, the clinical significance of this alteration remains unclear.

Color Diagnostics, LLC DBA Color Health
Classification: Uncertain significance for Hereditary cancer-predisposing syndrome. Last evaluated: 2024-03-06. Review status: criteria provided, single submitter. Criteria: ACMG Guidelines, 2015. Collection method: clinical testing. Allele origin: germline.
Comment: This missense variant replaces cysteine with tyrosine at codon 1387 of the APC protein. Computational prediction is inconclusive regarding the impact of this variant on protein structure and function (internally defined REVEL score threshold 0.5 < inconclusive < 0.7, PMID: 27666373). To our knowledge, functional studies have not been reported for this variant. This variant has not been reported in individuals affected with APC-related disorders in the literature. This variant has not been identified in the general population by the Genome Aggregation Database (gnomAD). The available evidence is insufficient to determine the role of this variant in disease conclusively. Therefore, this variant is classified as a Variant of Uncertain Significance.

Labcorp Genetics (formerly Invitae), Labcorp
Classification: Uncertain significance for Familial adenomatous polyposis 1. Last evaluated: 2024-02-01. Review status: criteria provided, single submitter. Criteria: Invitae Variant Classification Sherloc (09022015). Collection method: clinical testing. Allele origin: germline.
Comment: This sequence change replaces cysteine, which is neutral and slightly polar, with tyrosine, which is neutral and polar, at codon 1387 of the APC protein (p.Cys1387Tyr). This variant is not present in population databases (gnomAD no frequency). This variant has not been reported in the literature in individuals affected with APC-related conditions. ClinVar contains an entry for this variant (Variation ID: 184973). Advanced modeling of protein sequence and biophysical properties (such as structural, functional, and spatial information, amino acid conservation, physicochemical variation, residue mobility, and thermodynamic stability) performed at Invitae indicates that this missense variant is not expected to disrupt APC protein function with a negative predictive value of 95%. In summary, the available evidence is currently insufficient to determine the role of this variant in disease. Therefore, it has been classified as a Variant of Uncertain Significance.

All of Us Research Program, National Institutes of Health
Classification: Uncertain significance for Classic or attenuated familial adenomatous polyposis. Last evaluated: 2023-06-26. Review status: criteria provided, single submitter. Criteria: ACMG Guidelines, 2015. Collection method: clinical testing. Allele origin: germline. Inheritance: Autosomal dominant inheritance. Observed: 2 variant alleles, 2 heterozygotes.
Comment: This missense variant replaces cysteine with tyrosine at codon 1387 of the APC protein. Computational prediction is inconclusive regarding the impact of this variant on protein structure and function (internally defined REVEL score threshold 0.5 < inconclusive < 0.7, PMID: 27666373). Splice site prediction tools suggest that this variant may not impact RNA splicing. To our knowledge, functional studies have not been performed for this variant. This variant has not been reported in individuals affected with hereditary cancer in the literature. This variant has not been identified in the general population by the Genome Aggregation Database (gnomAD). The available evidence is insufficient to determine the role of this variant in disease conclusively. Therefore, this variant is classified as a Variant of Uncertain Significance.

This study involves interpretation of variants in research participants for the purpose of population health screening. Participant phenotype was not available at the time of variant classification. Additional details can be found in publication PMID: 35346344, PMCID: PMC8962531

NM_000038.6(APC):c.4160G>A (p.Cys1387Tyr)

Gene: APC (APC regulator of Wnt signaling pathway; plus strand). Cytogenetic location: 5q22.2.
Variant type: single nucleotide variant.
Coding change: c.4160G>A on transcript NM_000038.6 (MANE Select); coding-DNA position 4160, G replaced by A.
Protein change: p.Cys1387Tyr; replaces cysteine 1387 with tyrosine.
Molecular consequence: missense variant.
Genome position (GRCh38, 1-based): chr5:112,839,754, G>A. VCF-style: chr5-112839754-G-A. GRCh37 (hg19) VCF-style: chr5-112175451-G-A.
Other names: c.4160G>A, p.Cys1387Tyr (NM_001127510.3, NM_001354895.2); c.4106G>A, p.Cys1369Tyr (NM_001127511.3); c.4214G>A, p.Cys1405Tyr (NM_001354896.2); c.4190G>A, p.Cys1397Tyr (NM_001354897.2); c.4085G>A, p.Cys1362Tyr (NM_001354898.2); c.4076G>A, p.Cys1359Tyr (NM_001354899.2); c.4037G>A, p.Cys1346Tyr (NM_001354900.2); c.3983G>A, p.Cys1328Tyr (NM_001354901.2); and 5 more; short protein forms C1369Y, C1387Y, C1261Y, C1397Y, C1104Y, C1328Y, C1405Y, C1227Y.
Identifiers: ClinVar variation 184973 (VCV000184973.19), dbSNP rs786201834, ClinGen allele CA008915.
Genomic context (GRCh38, chr5:112,839,754, plus strand): 5'-AGACACCCAAAAGTCCACCTGAACACTATGTTCAGGAGACCCCACTCATGTTTAGCAGAT[G>A]TACTTCTGTCAGTTCACTTGATAGTTTTGAGAGTCGTTCGATTGCCAGCTCCGTTCAGAG-3'
Protein context (NP_000029.2, residues 1377-1397): VQETPLMFSR[Cys1387Tyr]TSVSSLDSFE